The following is an entry in ClinVar:

NM_031443.4(CCM2):c.369dup (p.Trp124fs)

Gene: CCM2 (CCM2 scaffold protein; plus strand). Cytogenetic location: 7p13.
Variant type: Duplication.
Coding change: c.369dup on transcript NM_031443.4 (MANE Select); coding-DNA position 369, one base duplicated (C; older notation c.369dupC).
Protein change: p.Trp124fs; shifts the reading frame from tryptophan 124.
Molecular consequence: frameshift variant. On other transcripts: non-coding transcript variant (1).
Genome position (GRCh38, 1-based): chr7:45,064,543, C duplicated; the last of 2 consecutive C bases (chr7:45,064,542-45,064,543); duplicating either gives the same sequence. VCF-style (leftmost placement, unchanged base first): chr7-45064541-G-GC. GRCh37 (hg19) VCF-style: chr7-45104140-G-GC.
Other names: c.432dup, p.Trp145fs (NM_001029835.2); c.195dup, p.Trp66fs (NM_001167934.2, NM_001363459.2); c.369dup, p.Trp124fs (NM_001167935.2, NM_001363458.2); short protein forms W124fs, W66fs, W145fs.
Identifiers: ClinVar variation 2014757 (VCV002014757.4), dbSNP rs2486112725, ClinGen allele CA2580077192.
Genomic context (GRCh38, chr7:45,064,541, plus strand): 5'-GGACACTTGACTCAGGAGCACGATGCTGTGCTCAGCCTGTCTGCGTACAACGTCAAGCTG[G>GC]CCTGGAGGGACGGGGAGGATATCATCCTCAGGGTGCCCATCCATGACATCGCCGCCGTCT-3'

ClinVar aggregate classification (germline): Pathogenic (1 of 4 stars; one submission).

Conditions:
Cerebral cavernous malformation 2. Also called: Familial Cerebral Cavernous Malformation 2. Identifiers: Orphanet 221061, MedGen C1864041, MONDO:0011304, OMIM 603284.

Submission:

Labcorp Genetics (formerly Invitae), Labcorp
Classification: Pathogenic for Cerebral cavernous malformation 2. Last evaluated: 2022-07-06. Review status: criteria provided, single submitter. Criteria: Invitae Variant Classification Sherloc (09022015). Collection method: clinical testing. Allele origin: germline.
Comment: For these reasons, this variant has been classified as Pathogenic. This variant has not been reported in the literature in individuals affected with CCM2-related conditions. This variant is not present in population databases (gnomAD no frequency). This sequence change creates a premature translational stop signal (p.Trp124Leufs*15) in the CCM2 gene. It is expected to result in an absent or disrupted protein product. Loss-of-function variants in CCM2 are known to be pathogenic (PMID: 18300272, 24689081).

Literature cited by the submitters: PubMed 18300272; PubMed 24689081.